The following is an entry in ClinVar:

ClinVar aggregate classification (germline): Uncertain significance (1 of 4 stars; one submission).

Conditions:
Dyskeratosis congenita. Identifiers: Orphanet 1775, MedGen C0265965, MONDO:0015780.

Submission:

Labcorp Genetics (formerly Invitae), Labcorp
Classification: Uncertain significance for Dyskeratosis congenita. Last evaluated: 2022-07-19. Review status: criteria provided, single submitter. Criteria: Invitae Variant Classification Sherloc (09022015). Collection method: clinical testing. Allele origin: germline.
Comment: In summary, the available evidence is currently insufficient to determine the role of this variant in disease. Therefore, it has been classified as a Variant of Uncertain Significance. Algorithms developed to predict the effect of missense changes on protein structure and function (SIFT, PolyPhen-2, Align-GVGD) all suggest that this variant is likely to be disruptive. ClinVar contains an entry for this variant (Variation ID: 1497905). This variant has not been reported in the literature in individuals affected with DKC1-related conditions. This variant is not present in population databases (gnomAD no frequency). This sequence change replaces glutamic acid, which is acidic and polar, with glutamine, which is neutral and polar, at codon 372 of the DKC1 protein (p.Glu372Gln).

NM_001363.5(DKC1):c.1114G>C (p.Glu372Gln)

Gene: DKC1 (dyskerin pseudouridine synthase 1; plus strand). Cytogenetic location: Xq28.
Variant type: single nucleotide variant.
Coding change: c.1114G>C on transcript NM_001363.5 (MANE Select); coding-DNA position 1114, G replaced by C.
Protein change: p.Glu372Gln; replaces glutamic acid 372 with glutamine.
Molecular consequence: missense variant. On other transcripts: non-coding transcript variant (3).
Genome position (GRCh38, 1-based): chrX:154,773,208, G>C. VCF-style: chrX-154773208-G-C. GRCh37 (hg19) VCF-style: chrX-154001483-G-C.
Other names: c.1114G>C, p.Glu372Gln (NM_001142463.3, NM_001288747.2); short protein forms E372Q.
Identifiers: ClinVar variation 1497905 (VCV001497905.8), dbSNP rs2148515114, ClinGen allele CA414895910.